The following is an entry in ClinVar:

NM_139076.3(ABRAXAS1):c.596+9C>G

Gene: ABRAXAS1 (abraxas 1, BRCA1 A complex subunit; minus strand). Cytogenetic location: 4q21.23.
Variant type: single nucleotide variant.
Coding change: c.596+9C>G on transcript NM_139076.3 (MANE Select); 9 bases into the intron after coding-DNA position 596, C replaced by G.
Molecular consequence: intron variant.
Genome position (GRCh38, 1-based): chr4:83,469,023, G>C on the plus strand (C>G on the coding strand, the complement: ABRAXAS1 is on the minus strand). VCF-style: chr4-83469023-G-C. GRCh37 (hg19) VCF-style: chr4-84390176-G-C.
Other names: c.269+9C>G (NM_001345962.2).
Identifiers: ClinVar variation 633203 (VCV000633203.1), dbSNP rs778567938, ClinGen allele CA100683860.

ClinVar aggregate classification (germline): Uncertain significance (1 of 4 stars; one submission).

Allele frequency attached by ClinVar (database versions not stated): TOPMed 0.00001.

Submission:

Women's Health and Genetics/Laboratory Corporation of America, LabCorp
Classification: Uncertain significance. Last evaluated: 2018-11-12. Review status: criteria provided, single submitter. Criteria: LabCorp Variant Classification Summary - May 2015. Collection method: clinical testing. Allele origin: germline.
Comment: Variant summary: FAM175A c.596+9C>G alters a non-conserved nucleotide located close to a canonical splice site and therefore could affect mRNA splicing, leading to a significantly altered protein sequence. 5/5 computational tools predict no significant impact on normal splicing. However, these predictions have yet to be confirmed by functional studies. The variant was absent in 241696 control chromosomes. The available data on variant occurrences in the general population are insufficient to allow any conclusion about variant significance. To our knowledge, no occurrence of c.596+9C>G in individuals affected with Hereditary Breast and Ovarian Cancer and no experimental evidence demonstrating its impact on protein function have been reported. No clinical diagnostic laboratories have submitted clinical-significance assessments for this variant to ClinVar after 2014. Based on the evidence outlined above, the variant was classified as uncertain significance.